The following is an entry in ClinVar:

NM_002474.3(MYH11):c.633+1909C>T

Gene: MYH11 (myosin heavy chain 11; minus strand). Cytogenetic location: 16p13.11.
Variant type: single nucleotide variant.
Coding change: c.633+1909C>T on transcript NM_002474.3 (MANE Select); 1909 bases into the intron after coding-DNA position 633, C replaced by T.
Molecular consequence: intron variant.
Genome position (GRCh38, 1-based): chr16:15,784,721, G>A on the plus strand (C>T on the coding strand, the complement: MYH11 is on the minus strand). VCF-style: chr16-15784721-G-A. GRCh37 (hg19) VCF-style: chr16-15878578-G-A.
Other names: c.633+1909C>T (NM_022844.3); c.634-3C>T (NM_001040114.2, NM_001040113.2).
Identifiers: ClinVar variation 3893836 (VCV003893836.1).
Genomic context (GRCh38, chr16:15,784,721, plus strand): 5'-TCCCCTACACACCAGGAAAACACTCTCAGTTACTCACGTAGGCAAAAGATGGGCCTTGCT[G>A]TGGTTGAACAACACAGTATAAAACAAATGTCAGCGTTATTTCCATCACATGGACATCAGG-3'

ClinVar aggregate classification (germline): Uncertain significance (1 of 4 stars; one submission).

Conditions:
Familial thoracic aortic aneurysm and aortic dissection (TAAD). Also called: Thoracic aortic aneurysms and dissections. Identifiers: Orphanet 91387, MedGen C4707243, MONDO:0019625.

gnomAD v4.1: 1 of 1,613,924 alleles (0.000062%); highest among the groups gnomAD compares: Non-Finnish European, 0.000085%; no homozygotes.

Submission:

Color Diagnostics, LLC DBA Color Health
Classification: Uncertain significance for Familial thoracic aortic aneurysm and aortic dissection. Last evaluated: 2024-05-05. Review status: criteria provided, single submitter. Criteria: ACMG Guidelines, 2015. Collection method: clinical testing. Allele origin: germline.
Comment: This variant causes a C to T nucleotide substitution at the -3 position of intron 5 of the MYH11 gene. To our knowledge, functional studies have not been reported for this variant. This variant has not been reported in individuals affected with MYH11-related disorders in the literature. This variant has not been identified in the general population by the Genome Aggregation Database (gnomAD). The available evidence is insufficient to determine the role of this variant in disease conclusively. Therefore, this variant is classified as a Variant of Uncertain Significance.